The following is an entry in ClinVar:

ClinVar aggregate classification (germline): Uncertain significance (1 of 4 stars; one submission).

gnomAD v4.1: 5 of 1,613,870 alleles (0.00031%); highest among the groups gnomAD compares: Non-Finnish European, 0.00042%; no homozygotes.

Submission:

GeneDx
Classification: Uncertain significance. Last evaluated: 2024-08-04. Review status: criteria provided, single submitter. Criteria: GeneDx Variant Classification Process June 2021. Collection method: clinical testing. Allele origin: germline. Affected: yes.
Comment: Not observed at significant frequency in large population cohorts (gnomAD); In silico analysis supports that this missense variant has a deleterious effect on protein structure/function; Has not been previously published as pathogenic or benign to our knowledge

NM_000334.4(SCN4A):c.1934T>A (p.Phe645Tyr)

Gene: SCN4A (sodium voltage-gated channel alpha subunit 4; minus strand). Cytogenetic location: 17q23.3.
Variant type: single nucleotide variant.
Coding change: c.1934T>A on transcript NM_000334.4 (MANE Select); coding-DNA position 1934, T replaced by A.
Protein change: p.Phe645Tyr; replaces phenylalanine 645 with tyrosine.
Molecular consequence: missense variant.
Genome position (GRCh38, 1-based): chr17:63,959,350, A>T on the plus strand (T>A on the coding strand, the complement: SCN4A is on the minus strand). VCF-style: chr17-63959350-A-T. GRCh37 (hg19) VCF-style: chr17-62036710-A-T.
Other names: short protein forms F645Y.
Identifiers: ClinVar variation 3603001 (VCV003603001.1).